The following is an entry in ClinVar:

NM_000030.3(AGXT):c.776+2T>G

Gene: AGXT (alanine--glyoxylate aminotransferase; plus strand). Cytogenetic location: 2q37.3.
Variant type: single nucleotide variant.
Coding change: c.776+2T>G on transcript NM_000030.3 (MANE Select); the canonical splice donor site of the intron after coding-DNA position 776, T replaced by G.
Molecular consequence: splice donor variant.
Genome position (GRCh38, 1-based): chr2:240,875,206, T>G. VCF-style: chr2-240875206-T-G. GRCh37 (hg19) VCF-style: chr2-241814623-T-G.
Identifiers: ClinVar variation 550885 (VCV000550885.4), dbSNP rs1553649007, ClinGen allele CA351318278.

ClinVar aggregate classification (germline): Pathogenic. Review status: criteria provided, single submitter (1 of 4 stars). 2 submissions from 2 submitters: Pathogenic (1). 1 of the submissions does not count toward it. Last evaluated 2024-02-20.

Conditions:
Primary hyperoxaluria, type I (HP1). Also called: GLYCOLIC ACIDURIA; HEPATIC AGT DEFICIENCY; OXALOSIS I; Primary hyperoxaluria type 1. Identifiers: Orphanet 416, Orphanet 93598, MedGen C0268164, MONDO:0009823, OMIM 259900. Disease mechanism: loss of function.

Allele frequency attached by ClinVar (database versions not stated): gnomAD exomes below 0.00001.
gnomAD v4.1: 1 of 1,610,194 alleles (0.000062%); highest among the groups gnomAD compares: Non-Finnish European, 0.000085%; no homozygotes.

Submissions (2):

Labcorp Genetics (formerly Invitae), Labcorp
Classification: Pathogenic. Last evaluated: 2024-02-20. Review status: criteria provided, single submitter. Criteria: Invitae Variant Classification Sherloc (09022015). Collection method: clinical testing. Allele origin: germline.
Comment: This sequence change affects a donor splice site in intron 7 of the AGXT gene. It is expected to disrupt RNA splicing. Variants that disrupt the donor or acceptor splice site typically lead to a loss of protein function (PMID: 16199547), and loss-of-function variants in AGXT are known to be pathogenic (PMID: 19479957). This variant is not present in population databases (gnomAD no frequency). Disruption of this splice site has been observed in individual(s) with primary hyperoxaluria type 1 (PMID: 17460142). ClinVar contains an entry for this variant (Variation ID: 550885). Algorithms developed to predict the effect of sequence changes on RNA splicing suggest that this variant may disrupt the consensus splice site. For these reasons, this variant has been classified as Pathogenic.

Counsyl
Classification: Likely pathogenic for Primary hyperoxaluria, type I. Last evaluated: 2017-02-27. Review status: no assertion criteria provided. Collection method: clinical testing. Allele origin: unknown. Not counted in ClinVar's aggregate classification.

Literature cited by the submitters: PubMed 16199547 (cited by Labcorp Genetics (formerly Invitae), Labcorp); PubMed 19479957 (cited by Labcorp Genetics (formerly Invitae), Labcorp); PubMed 17460142 (cited by Labcorp Genetics (formerly Invitae), Labcorp).